The following is an entry in ClinVar:

NM_177438.3(DICER1):c.925G>C (p.Val309Leu)

Gene: DICER1 (dicer 1, ribonuclease III; minus strand). Cytogenetic location: 14q32.13.
Variant type: single nucleotide variant.
Coding change: c.925G>C on transcript NM_177438.3 (MANE Select); coding-DNA position 925, G replaced by C.
Protein change: p.Val309Leu; replaces valine 309 with leucine.
Molecular consequence: missense variant. On other transcripts: 5 prime UTR variant (1), non-coding transcript variant (6).
Genome position (GRCh38, 1-based): chr14:95,124,647, C>G on the plus strand (G>C on the coding strand, the complement: DICER1 is on the minus strand). VCF-style: chr14-95124647-C-G. GRCh37 (hg19) VCF-style: chr14-95590984-C-G.
Other names: c.925G>C, p.Val309Leu (NM_001195573.1, NM_001271282.3, NM_001291628.2 and 15 more transcripts); c.643G>C, p.Val215Leu (NM_001395686.1); c.520G>C, p.Val174Leu (NM_001395687.1, NM_001395688.1, NM_001395689.1 and 3 more transcripts); c.358G>C, p.Val120Leu (NM_001395691.1); c.-644G>C (NM_001395697.1); short protein forms V174L, V120L, V215L, V309L.
Identifiers: ClinVar variation 2911201 (VCV002911201.3), dbSNP rs1181141404, ClinGen allele CA390887360.

ClinVar aggregate classification (germline): Uncertain significance (1 of 4 stars; one submission).

Conditions:
DICER1-related tumor predisposition. Also called: DICER1 syndrome; DICER1-related pleuropulmonary blastoma cancer predisposition syndrome. Identifiers: Orphanet 284343, MedGen C3839822, MONDO:0100216.

Submission:

Labcorp Genetics (formerly Invitae), Labcorp
Classification: Uncertain significance for DICER1-related tumor predisposition. Last evaluated: 2022-12-21. Review status: criteria provided, single submitter. Criteria: Invitae Variant Classification Sherloc (09022015). Collection method: clinical testing. Allele origin: germline.
Comment: This sequence change replaces valine, which is neutral and non-polar, with leucine, which is neutral and non-polar, at codon 309 of the DICER1 protein (p.Val309Leu). This variant is not present in population databases (gnomAD no frequency). This variant has not been reported in the literature in individuals affected with DICER1-related conditions. Advanced modeling of protein sequence and biophysical properties (such as structural, functional, and spatial information, amino acid conservation, physicochemical variation, residue mobility, and thermodynamic stability) performed at Invitae indicates that this missense variant is not expected to disrupt DICER1 protein function. In summary, the available evidence is currently insufficient to determine the role of this variant in disease. Therefore, it has been classified as a Variant of Uncertain Significance.